The following is an entry in ClinVar:

NM_001278116.2(L1CAM):c.2347C>A (p.Pro783Thr)

Gene: L1CAM (L1 cell adhesion molecule; minus strand). Cytogenetic location: Xq28.
Variant type: single nucleotide variant.
Coding change: c.2347C>A on transcript NM_001278116.2 (MANE Select); coding-DNA position 2347, C replaced by A.
Protein change: p.Pro783Thr; replaces proline 783 with threonine.
Molecular consequence: missense variant.
Genome position (GRCh38, 1-based): chrX:153,866,733, G>T on the plus strand (C>A on the coding strand, the complement: L1CAM is on the minus strand). VCF-style: chrX-153866733-G-T. GRCh37 (hg19) VCF-style: chrX-153132188-G-T.
Other names: c.2347C>A, p.Pro783Thr (NM_000425.5, NM_024003.3); c.2332C>A, p.Pro778Thr (NM_001143963.2); short protein forms P778T, P783T.
Identifiers: ClinVar variation 3360643 (VCV003360643.1).
Genomic context (GRCh38, chrX:153,866,733, plus strand): 5'-TGACCTGGGGCTCTGGTCCCTTGCCCTGGCTGTTGACGGCCTGGACTTTGATCTCATAGG[G>T]CACGAAGGTGGACGTGTTGGACACCACCAGGAAGGGGTCGCTGACAATCTGCTCCTGCCA-3'
Protein context (NP_001265045.1, residues 773-793): LVVSNTSTFV[Pro783Thr]YEIKVQAVNS

ClinVar aggregate classification (germline): Uncertain significance (1 of 4 stars; one submission).

Submission:

GeneDx
Classification: Uncertain significance. Last evaluated: 2023-07-07. Review status: criteria provided, single submitter. Criteria: GeneDx Variant Classification Process June 2021. Collection method: clinical testing. Allele origin: germline. Affected: yes.
Comment: Not observed at significant frequency in large population cohorts (gnomAD); In silico analysis supports that this missense variant has a deleterious effect on protein structure/function; Has not been previously published as pathogenic or benign to our knowledge; This variant is associated with the following publications: (PMID: 25641508)